The following is an entry in ClinVar:

NM_002335.4(LRP5):c.2484C>G (p.Ile828Met)

Gene: LRP5 (LDL receptor related protein 5; plus strand). Cytogenetic location: 11q13.2.
Variant type: single nucleotide variant.
Coding change: c.2484C>G on transcript NM_002335.4 (MANE Select); coding-DNA position 2484, C replaced by G.
Protein change: p.Ile828Met; replaces isoleucine 828 with methionine.
Molecular consequence: missense variant.
Genome position (GRCh38, 1-based): chr11:68,411,601, C>G. VCF-style: chr11-68411601-C-G. GRCh37 (hg19) VCF-style: chr11-68179069-C-G.
Other names: c.741C>G, p.Ile247Met (NM_001291902.2); short protein forms I247M, I828M.
Identifiers: ClinVar variation 1066072 (VCV001066072.9), dbSNP rs577932894, ClinGen allele CA381617322.

ClinVar aggregate classification (germline): Likely pathogenic (1 of 4 stars; one submission).

Submission:

Labcorp Genetics (formerly Invitae), Labcorp
Classification: Likely pathogenic. Last evaluated: 2020-08-27. Review status: criteria provided, single submitter. Criteria: Invitae Variant Classification Sherloc (09022015). Collection method: clinical testing. Allele origin: germline.
Comment: In summary, the currently available evidence indicates that the variant is pathogenic, but additional data are needed to prove that conclusively. Therefore, this variant has been classified as Likely Pathogenic. Advanced modeling of protein sequence and biophysical properties (such as structural, functional, and spatial information, amino acid conservation, physicochemical variation, residue mobility, and thermodynamic stability) performed at Invitae indicates that this missense variant is expected to disrupt LRP5 protein function. This variant has been observed in individual(s) with familial exudative vitreoretinopathy (PMID: 23077402, Invitae). This variant is not present in population databases (ExAC no frequency). This sequence change replaces isoleucine with methionine at codon 828 of the LRP5 protein (p.Ile828Met). The isoleucine residue is highly conserved and there is a small physicochemical difference between isoleucine and methionine.

Literature cited by the submitters: PubMed 23077402.